The following is an entry in ClinVar:

NM_015267.4(CUX2):c.2180C>T (p.Pro727Leu)

Gene: CUX2 (cut like homeobox 2; plus strand). Cytogenetic location: 12q24.12.
Variant type: single nucleotide variant.
Coding change: c.2180C>T on transcript NM_015267.4 (MANE Select); coding-DNA position 2180, C replaced by T.
Protein change: p.Pro727Leu; replaces proline 727 with leucine.
Molecular consequence: missense variant.
Genome position (GRCh38, 1-based): chr12:111,320,189, C>T. VCF-style: chr12-111320189-C-T. GRCh37 (hg19) VCF-style: chr12-111757993-C-T.
Other names: c.1994C>T, p.Pro665Leu (NM_001370598.1); short protein forms P665L, P727L.
Identifiers: ClinVar variation 2632906 (VCV002632906.2), dbSNP rs1887444931, ClinGen allele CA386712026.

ClinVar aggregate classification (germline): Uncertain significance. Review status: criteria provided, multiple submitters, no conflicts (2 of 4 stars). 2 submissions from 2 submitters: Uncertain significance (2). Last evaluated 2025-04-15.

Conditions:
CUX2-related disorder. Also called: CUX2-related condition.

Allele frequency attached by ClinVar (database versions not stated): TOPMed below 0.00001.

Submissions (2):

GeneDx
Classification: Uncertain significance. Last evaluated: 2025-04-15. Review status: criteria provided, single submitter. Criteria: GeneDx Variant Classification Process June 2021. Collection method: clinical testing. Allele origin: germline. Affected: yes.
Comment: Not observed at significant frequency in large population cohorts (gnomAD); In silico analysis supports that this missense variant has a deleterious effect on protein structure/function; Has not been previously published as pathogenic or benign to our knowledge

PreventionGenetics, part of Exact Sciences
Classification: Uncertain significance for CUX2-related condition. Last evaluated: 2023-05-18. Review status: criteria provided, single submitter. Criteria: ACMG Guidelines, 2015. Collection method: clinical testing. Allele origin: germline.
Comment: The CUX2 c.2180C>T variant is predicted to result in the amino acid substitution p.Pro727Leu. To our knowledge, this variant has not been reported in the literature or in a large population database, indicating this variant is rare. At this time, the clinical significance of this variant is uncertain due to the absence of conclusive functional and genetic evidence.